The following is an entry in ClinVar:

ClinVar aggregate classification (germline): Benign/Likely benign. Review status: criteria provided, multiple submitters, no conflicts (2 of 4 stars). 3 submissions from 3 submitters: Benign (2); Likely benign (1). Last evaluated 2026-01-28.

Allele frequency attached by ClinVar (database versions not stated): gnomAD exomes 0.00178; ExAC 0.00288; ESP Exome Variant Server 0.00696; gnomAD 0.00749 and 0.00789; TOPMed 0.00836; 1000 Genomes Project 0.01038; 1000 Genomes Project 30x 0.01156.
gnomAD v4.1: 2,240 of 1,550,924 alleles (0.14%); highest among the groups gnomAD compares: African/African-American, 2.6%; 30 homozygotes.

Submissions (3):

Labcorp Genetics (formerly Invitae), Labcorp
Classification: Benign. Last evaluated: 2026-01-28. Review status: criteria provided, single submitter. Criteria: Invitae Variant Classification Sherloc (09022015). Collection method: clinical testing. Allele origin: germline.

GeneDx
Classification: Likely benign. Last evaluated: 2018-07-17. Review status: criteria provided, single submitter. Criteria: GeneDx Variant Classification Process June 2021. Collection method: clinical testing. Allele origin: germline. Affected: yes.

Laboratory for Molecular Medicine, Mass General Brigham Personalized Medicine
Classification: Benign. Last evaluated: 2012-05-07. Review status: criteria provided, single submitter. Criteria: LMM Criteria. Collection method: clinical testing. Allele origin: germline. Observed: 4 variant alleles.
Comment: 1798-15C>T in Intron 15 of MYO7A: This variant is not expected to have clinical significance because it has been identified in 2.3% (74/3190) of African America n chromosomes from a broad population by the NHLBI Exome Sequencing Project (dbSNP rs115708180).

NM_000260.4(MYO7A):c.1798-15C>T

Gene: MYO7A (myosin VIIA; plus strand). Cytogenetic location: 11q13.5.
Variant type: single nucleotide variant.
Coding change: c.1798-15C>T on transcript NM_000260.4 (MANE Select); 15 bases into the intron before coding-DNA position 1798, C replaced by T.
Molecular consequence: intron variant.
Genome position (GRCh38, 1-based): chr11:77,172,733, C>T. VCF-style: chr11-77172733-C-T. GRCh37 (hg19) VCF-style: chr11-76883779-C-T.
Other names: c.1765-15C>T (NM_001369365.1); c.1798-15C>T (NM_001127180.2).
Identifiers: ClinVar variation 178624 (VCV000178624.16), dbSNP rs115708180, ClinGen allele CA182687.